The following is an entry in ClinVar:

ClinVar aggregate classification (germline): Likely pathogenic (1 of 4 stars; one submission).

Conditions:
Intellectual developmental disorder with hypotonia, impaired speech, and dysmorphic facies (IDDHISD). Identifiers: MedGen C5561997, MONDO:0859197, OMIM 619556.

Submission:

3billion
Classification: Likely pathogenic for Intellectual developmental disorder with hypotonia, impaired speech, and dysmorphic facies. Last evaluated: 2023-10-31. Review status: criteria provided, single submitter. Criteria: ACMG Guidelines, 2015. Collection method: clinical testing. Allele origin: germline. Affected: yes.
Comment: The variant is not observed in the gnomAD v2.1.1 dataset. Predicted Consequence/Location: Missense changes are a common disease-causing mechanism. In silico tool predictions suggest damaging effect of the variant on gene or gene product [REVEL: 0.86 (>=0.6, sensitivity 0.68 and specificity 0.92); 3Cnet: 0.95 (>=0.6, sensitivity 0.72 and precision 0.9)]. Therefore, this variant is classified as Likely pathogenic according to the recommendation of ACMG/AMP guideline.

NM_001382241.1(TNPO2):c.2174C>A (p.Ala725Asp)

Gene: TNPO2 (transportin 2; minus strand). Cytogenetic location: 19p13.13.
Variant type: single nucleotide variant.
Coding change: c.2174C>A on transcript NM_001382241.1 (MANE Select); coding-DNA position 2174, C replaced by A.
Protein change: p.Ala725Asp; replaces alanine 725 with aspartic acid.
Molecular consequence: missense variant. On other transcripts: non-coding transcript variant (6).
Genome position (GRCh38, 1-based): chr19:12,703,463, G>T on the plus strand (C>A on the coding strand, the complement: TNPO2 is on the minus strand). VCF-style: chr19-12703463-G-T. GRCh37 (hg19) VCF-style: chr19-12814277-G-T.
Other names: c.2174C>A, p.Ala725Asp (NM_001136195.2, NM_001136196.2, NM_001382236.1 and 7 more transcripts); short protein forms A725D.
Identifiers: ClinVar variation 3776150 (VCV003776150.1).